The following is an entry in ClinVar:

ClinVar aggregate classification (germline): Likely pathogenic (1 of 4 stars; one submission).

Conditions:
Neuronopathy, distal hereditary motor, autosomal recessive 4. Also called: NEUROPATHY, DISTAL HEREDITARY MOTOR, AUTOSOMAL RECESSIVE 4; Autosomal recessive lower motor neuron disease with childhood onset. Identifiers: Orphanet 206580, MedGen C1970211, MONDO:0012608, OMIM 611067.
Charcot-Marie-Tooth disease recessive intermediate C. Also called: CHARCOT-MARIE-TOOTH NEUROPATHY, RECESSIVE INTERMEDIATE C. Identifiers: Orphanet 369867, MedGen C3809309, MONDO:0014154, OMIM 615376.

Allele frequency attached by ClinVar (database versions not stated): gnomAD exomes below 0.00001; gnomAD 0.00001; TOPMed 0.00001.
gnomAD v4.1: 2 of 1,613,734 alleles (0.00012%); highest among the groups gnomAD compares: Non-Finnish European, 0.00017%; no homozygotes.

Submission:

Labcorp Genetics (formerly Invitae), Labcorp
Classification: Likely pathogenic for Neuronopathy, distal hereditary motor, autosomal recessive 4; Charcot-Marie-Tooth disease recessive intermediate C. Last evaluated: 2023-09-20. Review status: criteria provided, single submitter. Criteria: Invitae Variant Classification Sherloc (09022015). Collection method: clinical testing. Allele origin: germline.
Comment: This sequence change affects an acceptor splice site in intron 17 of the PLEKHG5 gene. It is expected to disrupt RNA splicing. Variants that disrupt the donor or acceptor splice site typically lead to a loss of protein function (PMID: 16199547), and loss-of-function variants in PLEKHG5 are known to be pathogenic (PMID: 17564964, 23777631). This variant is not present in population databases (gnomAD no frequency). This variant has not been reported in the literature in individuals affected with PLEKHG5-related conditions. ClinVar contains an entry for this variant (Variation ID: 1967038). Algorithms developed to predict the effect of sequence changes on RNA splicing suggest that this variant may disrupt the consensus splice site. In summary, the currently available evidence indicates that the variant is pathogenic, but additional data are needed to prove that conclusively. Therefore, this variant has been classified as Likely Pathogenic.

Literature cited by the submitters: PubMed 16199547; PubMed 17564964; PubMed 23777631.

NM_020631.6(PLEKHG5):c.1934-2A>C

Gene: PLEKHG5 (pleckstrin homology and RhoGEF domain containing G5; minus strand). Cytogenetic location: 1p36.31.
Variant type: single nucleotide variant.
Coding change: c.1934-2A>C on transcript NM_020631.6 (MANE Select); the canonical splice acceptor site of the intron before coding-DNA position 1934, A replaced by C.
Molecular consequence: splice acceptor variant.
Genome position (GRCh38, 1-based): chr1:6,469,452, T>G on the plus strand (A>C on the coding strand, the complement: PLEKHG5 is on the minus strand). VCF-style: chr1-6469452-T-G. GRCh37 (hg19) VCF-style: chr1-6529512-T-G.
Other names: c.1934-2A>C (NM_198681.4, NM_001265594.3, NM_001042664.2 and 1 more transcripts); c.2045-2A>C (NM_001042663.3, NM_001265592.2); c.2141-2A>C (NM_001265593.2).
Identifiers: ClinVar variation 1967038 (VCV001967038.5), dbSNP rs1405080200, ClinGen allele CA338119954.
Genomic context (GRCh38, chr1:6,469,452, plus strand): 5'-GAACGTGTAGGCCCCTACAGCACTGTGAAACTCATTCAGGTAGATAAGGAGGAAGGACCC[T>G]GGTTAGGGAAGGCCCAAGTCAGTGTCAGCAGAGACGATGGCCCCCACCCATCACAGCCCC-3'